The following is an entry in ClinVar:

NC_000017.10:g.(?_59938798)_(59938900_?)dup

Gene: BRIP1 (BRCA1 interacting DNA helicase 1; minus strand). Cytogenetic location: 17q23.2.
Variant type: Duplication.
Identifiers: ClinVar variation 1023958 (VCV001023958.2).

ClinVar aggregate classification (germline): Uncertain significance (1 of 4 stars; one submission).

Conditions:
Fanconi anemia complementation group J. Also called: BRIP1-Related Fanconi Anemia. Identifiers: Orphanet 84, MedGen C1836860, MONDO:0012187, OMIM 609054.
Familial cancer of breast. Also called: BREAST CANCER, FAMILIAL; hereditary breast carcinoma; Hereditary breast cancer. Identifiers: Orphanet 227535, MedGen C0346153, MONDO:0016419, OMIM 114480. Disease mechanism: loss of function.

Submission:

Labcorp Genetics (formerly Invitae), Labcorp
Classification: Uncertain significance for Familial cancer of breast; Fanconi anemia complementation group J. Last evaluated: 2020-04-27. Review status: criteria provided, single submitter. Criteria: Invitae Variant Classification Sherloc (09022015). Collection method: clinical testing. Allele origin: germline.
Comment: This variant results in a copy number gain of the genomic region encompassing exon 2 of the BRIP1 gene. The 5' end of this event is unknown as it extends beyond the assayed region for this gene and therefore may encompass additional genes. The 3' boundary is likely confined to intron 2 of the BRIP1 gene. As the precise location of this event is unknown, it may be in tandem or it may be located elsewhere in the genome. This variant has not been reported in the literature in individuals with BRIP1-related conditions. In summary, the available evidence is currently insufficient to determine the role of this variant in disease. Therefore, it has been classified as a Variant of Uncertain Significance.